The following is an entry in ClinVar:

ClinVar aggregate classification (germline): Likely benign (0 of 4 stars; one submission).

Conditions:
PRKCB-related disorder. Also called: PRKCB-related condition.

Allele frequency attached by ClinVar (database versions not stated): gnomAD 0.00087; ExAC 0.00088; ESP Exome Variant Server 0.00092.
gnomAD v4.1: 1,513 of 1,612,696 alleles (0.094%); highest among the groups gnomAD compares: Non-Finnish European, 0.11%; 1 homozygote.

Submission:

PreventionGenetics, part of Exact Sciences
Classification: Likely benign for PRKCB-related condition. Last evaluated: 2023-06-22. Review status: no assertion criteria provided. Collection method: clinical testing. Allele origin: germline.
Comment: This variant is classified as likely benign based on ACMG/AMP sequence variant interpretation guidelines (Richards et al. 2015 PMID: 25741868, with internal and published modifications).

NM_002738.7(PRKCB):c.893A>G (p.Asn298Ser)

Gene: PRKCB (protein kinase C beta; plus strand). Cytogenetic location: 16p12.2.
Variant type: single nucleotide variant.
Coding change: c.893A>G on transcript NM_002738.7 (MANE Select); coding-DNA position 893, A replaced by G.
Protein change: p.Asn298Ser; replaces asparagine 298 with serine.
Molecular consequence: missense variant.
Genome position (GRCh38, 1-based): chr16:24,113,044, A>G. VCF-style: chr16-24113044-A-G. GRCh37 (hg19) VCF-style: chr16-24124365-A-G.
Other names: c.893A>G, p.Asn298Ser (NM_212535.3); short protein forms N298S.
Identifiers: ClinVar variation 3049670 (VCV003049670.2), dbSNP rs147975795, ClinGen allele CA7966327.